The following is an entry in ClinVar:

ClinVar aggregate classification (germline): Uncertain significance (1 of 4 stars; one submission).

Conditions:
Familial thoracic aortic aneurysm and aortic dissection (TAAD). Also called: Thoracic aortic aneurysms and dissections. Identifiers: Orphanet 91387, MedGen C4707243, MONDO:0019625.
Hereditary cancer-predisposing syndrome. Also called: Neoplastic Syndromes, Hereditary; Tumor predisposition; Hereditary Cancer Syndrome; Hereditary neoplastic syndrome. Identifiers: Orphanet 140162, MedGen C0027672, MeSH D009386, MONDO:0015356.

Submission:

Ambry Genetics
Classification: Uncertain significance for Hereditary cancer-predisposing syndrome; Familial thoracic aortic aneurysm and aortic dissection. Last evaluated: 2026-05-19. Review status: criteria provided, single submitter. Criteria: Ambry Variant Classification Scheme 2023. Collection method: clinical testing. Allele origin: germline.
Comment: The p.M156T variant (also known as c.467T>C), located in coding exon 4 of the SMAD4 gene, results from a T to C substitution at nucleotide position 467. The methionine at codon 156 is replaced by threonine, an amino acid with similar properties. This amino acid position is conserved. In addition, the in silico prediction for this alteration is inconclusive. Based on the available evidence, the clinical significance of this variant remains unclear.

NM_005359.6(SMAD4):c.467T>C (p.Met156Thr)

Gene: SMAD4 (SMAD family member 4; plus strand). Cytogenetic location: 18q21.2.
Variant type: single nucleotide variant.
Coding change: c.467T>C on transcript NM_005359.6 (MANE Select); coding-DNA position 467, T replaced by C.
Protein change: p.Met156Thr; replaces methionine 156 with threonine.
Molecular consequence: missense variant. On other transcripts: non-coding transcript variant (2).
Genome position (GRCh38, 1-based): chr18:51,054,793, T>C. VCF-style: chr18-51054793-T-C. GRCh37 (hg19) VCF-style: chr18-48581163-T-C.
Other names: c.467T>C, p.Met156Thr (NM_001407041.1, NM_001407042.1, NM_001407043.1); short protein forms M156T.
Identifiers: ClinVar variation 4864708 (VCV004864708.1).